The following is an entry in ClinVar:

ClinVar aggregate classification (germline): Uncertain significance. Review status: criteria provided, multiple submitters, no conflicts (2 of 4 stars). 2 submissions from 2 submitters: Uncertain significance (2). Last evaluated 2025-08-28.

Allele frequency attached by ClinVar (database versions not stated): ExAC 0.00002; ESP Exome Variant Server 0.00008; TOPMed 0.00017.
gnomAD v4.1: 46 of 1,613,140 alleles (0.0029%); highest among the groups gnomAD compares: African/African-American, 0.059%; no homozygotes.

Submissions (2):

Labcorp Genetics (formerly Invitae), Labcorp
Classification: Uncertain significance. Last evaluated: 2025-08-28. Review status: criteria provided, single submitter. Criteria: Invitae Variant Classification Sherloc (09022015). Collection method: clinical testing. Allele origin: germline.
Comment: This sequence change replaces proline, which is neutral and non-polar, with threonine, which is neutral and polar, at codon 78 of the SLCO5A1 protein (p.Pro78Thr). This variant is present in population databases (rs146746403, gnomAD 0.06%), and has an allele count higher than expected for a pathogenic variant. This variant has not been reported in the literature in individuals affected with SLCO5A1-related conditions. ClinVar contains an entry for this variant (Variation ID: 2079634). An algorithm developed to predict the effect of missense changes on protein structure and function (PolyPhen-2) suggests that this variant is likely to be tolerated. In summary, the available evidence is currently insufficient to determine the role of this variant in disease. Therefore, it has been classified as a Variant of Uncertain Significance.

Ambry Genetics
Classification: Uncertain significance. Last evaluated: 2025-01-27. Review status: criteria provided, single submitter. Criteria: Ambry Variant Classification Scheme 2023. Collection method: clinical testing. Allele origin: germline.

NM_030958.3(SLCO5A1):c.232C>A (p.Pro78Thr)

Gene: SLCO5A1 (solute carrier organic anion transporter family member 5A1; minus strand). Cytogenetic location: 8q13.3.
Variant type: single nucleotide variant.
Coding change: c.232C>A on transcript NM_030958.3 (MANE Select); coding-DNA position 232, C replaced by A.
Protein change: p.Pro78Thr; replaces proline 78 with threonine.
Molecular consequence: missense variant.
Genome position (GRCh38, 1-based): chr8:69,832,442, G>T on the plus strand (C>A on the coding strand, the complement: SLCO5A1 is on the minus strand). VCF-style: chr8-69832442-G-T. GRCh37 (hg19) VCF-style: chr8-70744677-G-T.
Other names: c.232C>A, p.Pro78Thr (NM_001146008.2, NM_001146009.1); short protein forms P78T.
Identifiers: ClinVar variation 2079634 (VCV002079634.6), dbSNP rs146746403, ClinGen allele CA4776852.